The following is an entry in ClinVar:

NM_000090.4(COL3A1):c.1697C>G (p.Pro566Arg)

Gene: COL3A1 (collagen type III alpha 1 chain; plus strand). Cytogenetic location: 2q32.2.
Variant type: single nucleotide variant.
Coding change: c.1697C>G on transcript NM_000090.4 (MANE Select); coding-DNA position 1697, C replaced by G.
Protein change: p.Pro566Arg; replaces proline 566 with arginine.
Molecular consequence: missense variant.
Genome position (GRCh38, 1-based): chr2:188,996,432, C>G. VCF-style: chr2-188996432-C-G. GRCh37 (hg19) VCF-style: chr2-189861158-C-G.
Other names: short protein forms P566R.
Identifiers: ClinVar variation 3075109 (VCV003075109.1), dbSNP rs150543864, ClinGen allele CA349852671.

ClinVar aggregate classification (germline): Uncertain significance (1 of 4 stars; one submission).

Conditions:
Ehlers-Danlos syndrome, type 4 (EDSVASC). Also called: Ehlers-Danlos Syndrome Type IV; Ehlers-Danlos syndrome vascular type; Ehlers Danlos syndrome, ecchymotic type; Ehlers Danlos syndrome, arterial type; Ehlers Danlos syndrome, Sack-Barabas type. Identifiers: Orphanet 286, MedGen C0268338, MONDO:0017314, OMIM 130050.

Submission:

All of Us Research Program, National Institutes of Health
Classification: Uncertain significance for Ehlers-Danlos syndrome, type 4. Last evaluated: 2023-12-18. Review status: criteria provided, single submitter. Criteria: ACMG Guidelines, 2015. Collection method: clinical testing. Allele origin: germline. Inheritance: Autosomal dominant inheritance. Observed: 1 variant allele, 1 heterozygote.
Comment: This missense variant replaces proline with arginine at codon 566 of the COL3A1 protein. Computational prediction is inconclusive regarding the impact of this variant on protein structure and function (internally defined REVEL score threshold 0.5 < inconclusive < 0.7, PMID: 27666373). To our knowledge, functional studies have not been reported for this variant. This variant has not been reported in individuals affected with COL3A1-related disorders in the literature. This variant has not been identified in the general population by the Genome Aggregation Database (gnomAD). The available evidence is insufficient to determine the role of this variant in disease conclusively. Therefore, this variant is classified as a Variant of Uncertain Significance.

This study involves interpretation of variants in research participants for the purpose of population health screening. Participant phenotype was not available at the time of variant classification. Additional details can be found in publication PMID: 35346344, PMCID: PMC8962531